The following is an entry in ClinVar:

ClinVar aggregate classification (germline): Uncertain significance (1 of 4 stars; one submission).

gnomAD v4.1: 11 of 1,606,290 alleles (0.00068%); highest among the groups gnomAD compares: Non-Finnish European, 0.00094%; no homozygotes.

Submission:

Labcorp Genetics (formerly Invitae), Labcorp
Classification: Uncertain significance. Last evaluated: 2024-07-31. Review status: criteria provided, single submitter. Criteria: Invitae Variant Classification Sherloc (09022015). Collection method: clinical testing. Allele origin: germline.
Comment: This sequence change replaces arginine, which is basic and polar, with serine, which is neutral and polar, at codon 58 of the SLC26A1 protein (p.Arg58Ser). This variant is not present in population databases (gnomAD no frequency). This variant has not been reported in the literature in individuals affected with SLC26A1-related conditions. Advanced modeling of protein sequence and biophysical properties (such as structural, functional, and spatial information, amino acid conservation, physicochemical variation, residue mobility, and thermodynamic stability) performed at Invitae indicates that this missense variant is not expected to disrupt SLC26A1 protein function with a negative predictive value of 80%. In summary, the available evidence is currently insufficient to determine the role of this variant in disease. Therefore, it has been classified as a Variant of Uncertain Significance.

NM_022042.4(SLC26A1):c.172C>A (p.Arg58Ser)

Genes: IDUA (alpha-L-iduronidase; plus strand), SLC26A1 (solute carrier family 26 member 1; minus strand). Cytogenetic location: 4p16.3.
Variant type: single nucleotide variant.
Coding change: c.172C>A on transcript NM_022042.4 (MANE Select); coding-DNA position 172, C replaced by A.
Protein change: p.Arg58Ser; replaces arginine 58 with serine.
Molecular consequence: missense variant. On other transcripts: intron variant (1).
Genome position (GRCh38, 1-based): chr4:991,532, G>T on the plus strand (C>A on the coding strand, the complement: SLC26A1 is on the minus strand). VCF-style: chr4-991532-G-T. GRCh37 (hg19) VCF-style: chr4-985320-G-T.
Other names: c.172C>A, p.Arg58Ser (NM_134425.4, NM_213613.4); c.299+3583G>T (NM_000203.5); short protein forms R58S.
Identifiers: ClinVar variation 3689553 (VCV003689553.2).